The following is an entry in ClinVar:

NM_000617.3(SLC11A2):c.1254T>C (p.Ile418=)

Gene: SLC11A2 (solute carrier family 11 member 2; minus strand). Cytogenetic location: 12q13.12.
Variant type: single nucleotide variant.
Coding change: c.1254T>C on transcript NM_000617.3 (MANE Select); coding-DNA position 1254, T replaced by C.
Protein change: p.Ile418=; no amino-acid change (isoleucine 418 retained).
Molecular consequence: synonymous variant. On other transcripts: non-coding transcript variant (10).
Genome position (GRCh38, 1-based): chr12:50,992,283, A>G on the plus strand (T>C on the coding strand, the complement: SLC11A2 is on the minus strand). VCF-style: chr12-50992283-A-G. GRCh37 (hg19) VCF-style: chr12-51386066-A-G.
Other names: c.1341T>C, p.Ile447= (NM_001174125.2, NM_001379446.1, NM_001379455.1); c.1254T>C, p.Ile418= (NM_001174126.2, NM_001174127.2, NM_001174128.2 and 5 more transcripts); c.1242T>C, p.Ile414= (NM_001174130.2, NM_001379448.1); c.1143T>C, p.Ile381= (NM_001414747.1, NM_001414748.1); c.1017T>C, p.Ile339= (NM_001414749.1, NM_001414750.1).
Identifiers: ClinVar variation 309312 (VCV000309312.13), dbSNP rs1048230, ClinGen allele CA6566527.

ClinVar aggregate classification (germline): Benign. Review status: criteria provided, multiple submitters, no conflicts (2 of 4 stars). 3 submissions from 3 submitters: Benign (3). Last evaluated 2026-02-04.

Conditions:
Microcytic anemia with liver iron overload. Also called: Anemia, hypochromic microcytic, with iron overload 1. Identifiers: Orphanet 83642, MedGen C3806153, MONDO:0008787, OMIM 206100.

Allele frequency attached by ClinVar (database versions not stated): 1000 Genomes Project 30x 0.13413; TOPMed 0.13749; 1000 Genomes Project 0.13798; gnomAD 0.14293 and 0.14669; ESP Exome Variant Server 0.15216; gnomAD exomes 0.16977 and 0.18795; ExAC 0.17250.
gnomAD v4.1: 297,033 of 1,613,532 alleles (18%); highest among the groups gnomAD compares: South Asian, 28%; 28,932 homozygotes.

Submissions (3):

Labcorp Genetics (formerly Invitae), Labcorp
Classification: Benign. Last evaluated: 2026-02-04. Review status: criteria provided, single submitter. Criteria: Invitae Variant Classification Sherloc (09022015). Collection method: clinical testing. Allele origin: germline.

Illumina Laboratory Services, Illumina
Classification: Benign for Microcytic anemia with liver iron overload. Last evaluated: 2018-01-13. Review status: criteria provided, single submitter. Criteria: ICSL Variant Classification Criteria 13 December 2019. Collection method: clinical testing. Allele origin: germline.
Comment: This variant was observed in the ICSL laboratory as part of a predisposition screen in an ostensibly healthy population. It had not been previously curated by ICSL or reported in the Human Gene Mutation Database (HGMD: prior to June 1st, 2018), and was therefore a candidate for classification through an automated scoring system. Utilizing variant allele frequency, disease prevalence and penetrance estimates, and inheritance mode, an automated score was calculated to assess if this variant is too frequent to cause the disease. Based on the score and internal cut-off values, a variant classified as benign is not then subjected to further curation. The score for this variant resulted in a classification of benign for this disease.

Breakthrough Genomics
Classification: Benign. Review status: criteria provided, single submitter. Criteria: ACMG Guidelines, 2015. Collection method: not provided. Allele origin: germline. Inheritance: Autosomal recessive inheritance. Affected: yes.